The following is an entry in ClinVar:

NM_001130823.3(DNMT1):c.4445G>A (p.Arg1482His)

Gene: DNMT1 (DNA methyltransferase 1; minus strand). Cytogenetic location: 19p13.2.
Variant type: single nucleotide variant.
Coding change: c.4445G>A on transcript NM_001130823.3 (MANE Select); coding-DNA position 4445, G replaced by A.
Protein change: p.Arg1482His; replaces arginine 1482 with histidine.
Molecular consequence: missense variant.
Genome position (GRCh38, 1-based): chr19:10,137,129, C>T on the plus strand (G>A on the coding strand, the complement: DNMT1 is on the minus strand). VCF-style: chr19-10137129-C-T. GRCh37 (hg19) VCF-style: chr19-10247805-C-T.
Other names: c.4397G>A, p.Arg1466His (NM_001318730.2, NM_001379.4); c.4082G>A, p.Arg1361His (NM_001318731.2); c.4445G>A (NM_001130823.1); short protein forms R1361H, R1466H, R1482H.
Identifiers: ClinVar variation 1483302 (VCV001483302.32), dbSNP rs770535972, ClinGen allele CA9187513.

ClinVar aggregate classification (germline): Conflicting classifications of pathogenicity. Review status: criteria provided, conflicting classifications (1 of 4 stars). 3 submissions from 3 submitters: Uncertain significance (2); Likely benign (1). Last evaluated 2023-07-01.

Conditions:
Hereditary sensory neuropathy-deafness-dementia syndrome. Also called: Hereditary Sensory and Autonomic Neuropathy Type 1E (HSAN1E); HSN IE; NEUROPATHY, HEREDITARY SENSORY, WITH HEARING LOSS AND DEMENTIA; Hereditary sensory neuropathy type IE. Identifiers: Orphanet 456318, MedGen C3279885, MONDO:0013584, OMIM 614116.

Allele frequency attached by ClinVar (database versions not stated): gnomAD exomes below 0.00001; TOPMed below 0.00001; ExAC 0.00001; gnomAD 0.00001.
gnomAD v4.1: 5 of 1,611,182 alleles (0.00031%); highest among the groups gnomAD compares: Admixed American, 0.0034%; no homozygotes.

Submissions (3):

CeGaT Center for Human Genetics Tuebingen
Classification: Uncertain significance. Last evaluated: 2023-07-01. Review status: criteria provided, single submitter. Criteria: CeGaT Center For Human Genetics Tuebingen Variant Classification Criteria Version 2. Collection method: clinical testing. Allele origin: germline. Affected: yes. Observed: 1 variant allele.
Comment: DNMT1: PM2:Supporting, BP4

GeneDx
Classification: Uncertain significance. Last evaluated: 2023-05-25. Review status: criteria provided, single submitter. Criteria: GeneDx Variant Classification Process June 2021. Collection method: clinical testing. Allele origin: germline. Affected: yes.
Comment: Not observed at significant frequency in large population cohorts (gnomAD); In silico analysis supports that this missense variant has a deleterious effect on protein structure/function; Has not been previously published as pathogenic or benign to our knowledge

Labcorp Genetics (formerly Invitae), Labcorp
Classification: Likely benign for Hereditary sensory neuropathy-deafness-dementia syndrome. Last evaluated: 2023-03-01. Review status: criteria provided, single submitter. Criteria: Invitae Variant Classification Sherloc (09022015). Collection method: clinical testing. Allele origin: germline.